The following is an entry in ClinVar:

ClinVar aggregate classification (germline): Uncertain significance (1 of 4 stars; one submission).

Conditions:
Dyskeratosis congenita, autosomal recessive 6 (DKCB6). Identifiers: MedGen C4225356, MONDO:0014600, OMIM 616353.
Pulmonary fibrosis and/or bone marrow failure, Telomere-related, 4. Also called: PULMONARY FIBROSIS AND/OR BONE MARROW FAILURE SYNDROME, TELOMERE-RELATED, 4. Identifiers: Orphanet 2032, MedGen C4225347, MONDO:0014612, OMIM 616371.

Allele frequency attached by ClinVar (database versions not stated): gnomAD exomes below 0.00001; TOPMed below 0.00001.
gnomAD v4.1: 2 of 1,600,614 alleles (0.00012%); highest among the groups gnomAD compares: Admixed American, 0.0035%; no homozygotes.

Submission:

Labcorp Genetics (formerly Invitae), Labcorp
Classification: Uncertain significance for Dyskeratosis congenita, autosomal recessive 6; Pulmonary fibrosis and/or bone marrow failure, Telomere-related, 4. Last evaluated: 2023-05-23. Review status: criteria provided, single submitter. Criteria: Invitae Variant Classification Sherloc (09022015). Collection method: clinical testing. Allele origin: germline.
Comment: An algorithm developed to predict the effect of missense changes on protein structure and function (PolyPhen-2) suggests that this variant is likely to be disruptive. In summary, the available evidence is currently insufficient to determine the role of this variant in disease. Therefore, it has been classified as a Variant of Uncertain Significance. This variant has not been reported in the literature in individuals affected with PARN-related conditions. The frequency data for this variant in the population databases is considered unreliable, as metrics indicate poor data quality at this position in the gnomAD database. This sequence change replaces tryptophan, which is neutral and slightly polar, with arginine, which is basic and polar, at codon 639 of the PARN protein (p.Trp639Arg).

NM_002582.4(PARN):c.1915T>C (p.Trp639Arg)

Gene: PARN (poly(A)-specific ribonuclease; minus strand). Cytogenetic location: 16p13.12.
Variant type: single nucleotide variant.
Coding change: c.1915T>C on transcript NM_002582.4 (MANE Select); coding-DNA position 1915, T replaced by C.
Protein change: p.Trp639Arg; replaces tryptophan 639 with arginine.
Molecular consequence: missense variant.
Genome position (GRCh38, 1-based): chr16:14,436,722, A>G on the plus strand (T>C on the coding strand, the complement: PARN is on the minus strand). VCF-style: chr16-14436722-A-G. GRCh37 (hg19) VCF-style: chr16-14530579-A-G.
Other names: c.1732T>C, p.Trp578Arg (NM_001134477.3); c.1777T>C, p.Trp593Arg (NM_001242992.2); short protein forms W593R, W639R, W578R.
Identifiers: ClinVar variation 2931529 (VCV002931529.3), dbSNP rs1171761147, ClinGen allele CA395183170.